The following is an entry in ClinVar:

NM_145698.5(ACBD5):c.6C>T (p.Leu2=)

Gene: ACBD5 (acyl-CoA binding domain containing 5; minus strand). Cytogenetic location: 10p12.1.
Variant type: single nucleotide variant.
Coding change: c.6C>T on transcript NM_145698.5 (MANE Select); coding-DNA position 6, C replaced by T.
Protein change: p.Leu2=; no amino-acid change (leucine 2 retained).
Molecular consequence: synonymous variant. On other transcripts: 5 prime UTR variant (7), missense variant (2), intron variant (11).
Genome position (GRCh38, 1-based): chr10:27,240,683, G>A on the plus strand (C>T on the coding strand, the complement: ACBD5 is on the minus strand). VCF-style: chr10-27240683-G-A. GRCh37 (hg19) VCF-style: chr10-27529612-G-A.
Other names: c.-190C>T (NM_001271512.3, NM_001352571.1, NM_001352586.1 and 1 more transcripts); c.37C>T, p.Leu13Phe (NM_001352568.1, NM_001352572.1); c.6C>T, p.Leu2= (NM_001352569.1, NM_001352570.1, NM_001352573.1 and 2 more transcripts); c.-191C>T (NM_001352583.1, NM_001352585.1); c.-201C>T (NM_001352584.1); c.-181-209C>T (NM_001301253.2); c.-80-209C>T (NM_001352580.2, NM_001352577.2, NM_001352575.2); c.-191-199C>T (NM_001301251.2); and 1 more; short protein forms L13F.
Identifiers: ClinVar variation 1169588 (VCV001169588.10), dbSNP rs145435469, ClinGen allele CA5451066.

ClinVar aggregate classification (germline): Benign/Likely benign. Review status: criteria provided, multiple submitters, no conflicts (2 of 4 stars). 2 submissions from 2 submitters: Benign (1); Likely benign (1). Last evaluated 2026-07-08.

Conditions:
ACBD5-related disorder. Also called: ACBD5-related condition.

Allele frequency attached by ClinVar (database versions not stated): gnomAD 0.00007 and 0.00011; ExAC 0.00011; gnomAD exomes 0.00013 and 0.00027; TOPMed 0.00014; 1000 Genomes Project 30x 0.00047; 1000 Genomes Project 0.00060.
gnomAD v4.1: 194 of 1,551,008 alleles (0.013%); highest among the groups gnomAD compares: East Asian, 0.44%; 1 homozygote.

Submissions (2):

PreventionGenetics, part of Exact Sciences
Classification: Likely benign for ACBD5-related condition. Last evaluated: 2026-07-08. Review status: criteria provided, single submitter. Criteria: ACMG Guidelines, 2015. Collection method: clinical testing. Allele origin: germline.
Comment: This variant is classified as likely benign based on ACMG/AMP sequence variant interpretation guidelines (Richards et al. 2015 PMID: 25741868, with internal and published modifications).

Labcorp Genetics (formerly Invitae), Labcorp
Classification: Benign. Last evaluated: 2025-07-03. Review status: criteria provided, single submitter. Criteria: Invitae Variant Classification Sherloc (09022015). Collection method: clinical testing. Allele origin: germline.